The following is an entry in ClinVar:

ClinVar aggregate classification (germline): Uncertain significance (1 of 4 stars; one submission).

Conditions:
Epidermolysis bullosa simplex 5B, with muscular dystrophy (EBS5B). Also called: EPIDERMOLYSIS BULLOSA SIMPLEX AND LIMB-GIRDLE MUSCULAR DYSTROPHY; Epidermolysis bullosa simplex with muscular dystrophy. Identifiers: Orphanet 257, MedGen C2931072, MONDO:0009181, OMIM 226670.
Epidermolysis bullosa simplex 5C, with pyloric atresia (EBS5C). Also called: Epidermolysis bullosa simplex with pyloric atresia; PLEC-Related Epidermolysis Bullosa with Pyloric Atresia; PLEC1-Related Epidermolysis Bullosa with Pyloric Atresia. Identifiers: Orphanet 158684, MedGen C2677349, MONDO:0012807, OMIM 612138.
Autosomal recessive limb-girdle muscular dystrophy type 2Q (LGMDR17). Also called: MUSCULAR DYSTROPHY, LIMB-GIRDLE, AUTOSOMAL RECESSIVE 17. Identifiers: Orphanet 254361, MedGen C3150989, MONDO:0013390, OMIM 613723.
Epidermolysis bullosa simplex with nail dystrophy (EBS5D). Identifiers: MedGen C4225309, MONDO:0014661, OMIM 616487.
Epidermolysis bullosa simplex, Ogna type (EBS5A). Also called: Pidermolysis bullosa simplex 5A, Ogna type; EPIDERMOLYSIS BULLOSA SIMPLEX 5A, OGNA TYPE. Identifiers: Orphanet 79401, MedGen C0432317, MONDO:0007555, OMIM 131950.

Allele frequency attached by ClinVar (database versions not stated): gnomAD exomes below 0.00001; TOPMed below 0.00001; gnomAD 0.00001.
gnomAD v4.1: 3 of 1,613,226 alleles (0.00019%); highest among the groups gnomAD compares: Non-Finnish European, 0.00025%; no homozygotes.

Submission:

Labcorp Genetics (formerly Invitae), Labcorp
Classification: Uncertain significance for Autosomal recessive limb-girdle muscular dystrophy type 2Q; Epidermolysis bullosa simplex, Ogna type; Epidermolysis bullosa simplex with nail dystrophy; Epidermolysis bullosa simplex 5C, with pyloric atresia; Epidermolysis bullosa simplex 5B, with muscular dystrophy. Last evaluated: 2021-11-25. Review status: criteria provided, single submitter. Criteria: Invitae Variant Classification Sherloc (09022015). Collection method: clinical testing. Allele origin: germline.
Comment: This sequence change replaces glycine, which is neutral and non-polar, with aspartic acid, which is acidic and polar, at codon 3304 of the PLEC protein (p.Gly3304Asp). In summary, the available evidence is currently insufficient to determine the role of this variant in disease. Therefore, it has been classified as a Variant of Uncertain Significance. Algorithms developed to predict the effect of missense changes on protein structure and function (SIFT, PolyPhen-2, Align-GVGD) all suggest that this variant is likely to be disruptive. This variant has not been reported in the literature in individuals affected with PLEC-related conditions. This variant is not present in population databases (gnomAD no frequency).

NM_201384.3(PLEC):c.9830G>A (p.Gly3277Asp)

Gene: PLEC (plectin; minus strand). Cytogenetic location: 8q24.3.
Variant type: single nucleotide variant.
Coding change: c.9830G>A on transcript NM_201384.3 (MANE Select); coding-DNA position 9830, G replaced by A.
Protein change: p.Gly3277Asp; replaces glycine 3277 with aspartic acid.
Molecular consequence: missense variant.
Genome position (GRCh38, 1-based): chr8:143,919,991, C>T on the plus strand (G>A on the coding strand, the complement: PLEC is on the minus strand). VCF-style: chr8-143919991-C-T. GRCh37 (hg19) VCF-style: chr8-144994159-C-T.
Other names: c.9911G>A, p.Gly3304Asp (NM_000445.5); c.9788G>A, p.Gly3263Asp (NM_201378.4); c.9764G>A, p.Gly3255Asp (NM_201379.3); c.10241G>A, p.Gly3414Asp (NM_201380.4); c.9734G>A, p.Gly3245Asp (NM_201381.3); c.9830G>A, p.Gly3277Asp (NM_201382.4); c.9842G>A, p.Gly3281Asp (NM_201383.3); short protein forms G3277D, G3255D, G3414D, G3263D, G3281D, G3304D, G3245D.
Identifiers: ClinVar variation 1432930 (VCV001432930.6), dbSNP rs1441006146, ClinGen allele CA372506470.